The following is an entry in ClinVar:

NM_002485.5(NBN):c.994+4A>G

Gene: NBN (nibrin; minus strand). Cytogenetic location: 8q21.3.
Variant type: single nucleotide variant.
Coding change: c.994+4A>G on transcript NM_002485.5 (MANE Select); 4 bases into the intron after coding-DNA position 994, A replaced by G.
Molecular consequence: intron variant.
Genome position (GRCh38, 1-based): chr8:89,964,406, T>C on the plus strand (A>G on the coding strand, the complement: NBN is on the minus strand). VCF-style: chr8-89964406-T-C. GRCh37 (hg19) VCF-style: chr8-90976634-T-C.
Other names: c.994+4A>G (NM_002485.4); c.748+4A>G (NM_001024688.3).
Identifiers: ClinVar variation 2693370 (VCV002693370.4), dbSNP rs2488283758, ClinGen allele CA2697550050.
Genomic context (GRCh38, chr8:89,964,406, plus strand): 5'-TATTTAGCTTATCGATTTACATAATAAAGTTGCTAACGAATCAATAAAATAATGCTTCAA[T>C]TACCTGTACTGGGATGGCCCTGAGGATCACAGTAATTCTTTGTAGTCATGAAAATCACCG-3'

ClinVar aggregate classification (germline): Uncertain significance. Review status: criteria provided, multiple submitters, no conflicts (2 of 4 stars). 2 submissions from 2 submitters: Uncertain significance (2). Last evaluated 2023-12-18.

Conditions:
Microcephaly, normal intelligence and immunodeficiency (NBS). Also called: Nijmegen breakage syndrome; Microcephaly with normal intelligence immunodeficiency and lymphoreticular malignancies; Nonsyndromal microcephaly autosomal recessive with normal intelligence; Seemanova syndrome 2; BERLIN BREAKAGE SYNDROME; IMMUNODEFICIENCY, MICROCEPHALY, AND CHROMOSOMAL INSTABILITY. Identifiers: Orphanet 647, MedGen C0398791, MONDO:0009623, OMIM 251260.
Hereditary cancer-predisposing syndrome. Also called: Hereditary Cancer Syndrome; Hereditary neoplastic syndrome; Neoplastic Syndromes, Hereditary; Tumor predisposition. Identifiers: Orphanet 140162, MedGen C0027672, MeSH D009386, MONDO:0015356.

Submissions (2):

Ambry Genetics
Classification: Uncertain significance for Hereditary cancer-predisposing syndrome. Last evaluated: 2023-12-18. Review status: criteria provided, single submitter. Criteria: Ambry Variant Classification Scheme 2023. Collection method: clinical testing. Allele origin: germline.
Comment: The c.994+4A>G intronic variant results from an A to G substitution 4 nucleotides after coding exon 8 in the NBN gene. This nucleotide position is highly conserved in available vertebrate species. In silico splice site analysis predicts that this alteration may weaken the native splice donor site. Since supporting evidence is limited at this time, the clinical significance of this alteration remains unclear.

Labcorp Genetics (formerly Invitae), Labcorp
Classification: Uncertain significance for Microcephaly, normal intelligence and immunodeficiency. Last evaluated: 2023-11-05. Review status: criteria provided, single submitter. Criteria: Invitae Variant Classification Sherloc (09022015). Collection method: clinical testing. Allele origin: germline.
Comment: This sequence change falls in intron 8 of the NBN gene. It does not directly change the encoded amino acid sequence of the NBN protein. It affects a nucleotide within the consensus splice site. This variant is not present in population databases (gnomAD no frequency). This variant has not been reported in the literature in individuals affected with NBN-related conditions. Variants that disrupt the consensus splice site are a relatively common cause of aberrant splicing (PMID: 17576681, 9536098). Algorithms developed to predict the effect of sequence changes on RNA splicing suggest that this variant is not likely to affect RNA splicing. In summary, the available evidence is currently insufficient to determine the role of this variant in disease. Therefore, it has been classified as a Variant of Uncertain Significance.

Literature cited by the submitters: PubMed 17576681 (cited by Labcorp Genetics (formerly Invitae), Labcorp); PubMed 9536098 (cited by Labcorp Genetics (formerly Invitae), Labcorp).